The following is an entry in ClinVar:

NM_014844.5(TECPR2):c.2022C>T (p.Pro674=)

Gene: TECPR2 (tectonin beta-propeller repeat containing 2; plus strand). Cytogenetic location: 14q32.31.
Variant type: single nucleotide variant.
Coding change: c.2022C>T on transcript NM_014844.5 (MANE Select); coding-DNA position 2022, C replaced by T.
Protein change: p.Pro674=; no amino-acid change (proline 674 retained).
Molecular consequence: synonymous variant.
Genome position (GRCh38, 1-based): chr14:102,434,839, C>T. VCF-style: chr14-102434839-C-T. GRCh37 (hg19) VCF-style: chr14-102901176-C-T.
Other names: c.2022C>T, p.Pro674= (NM_001172631.3).
Identifiers: ClinVar variation 1116094 (VCV001116094.23), dbSNP rs770334939, ClinGen allele CA7357832.

ClinVar aggregate classification (germline): Likely benign. Review status: criteria provided, multiple submitters, no conflicts (2 of 4 stars). 2 submissions from 2 submitters: Likely benign (2). Last evaluated 2024-11-01.

Conditions:
Hereditary spastic paraplegia 49 (HSAN9). Also called: NEUROPATHY, HEREDITARY SENSORY AND AUTONOMIC, TYPE IX, WITH DEVELOPMENTAL DELAY; Spastic paraplegia 49, autosomal recessive; TECPR2-Related Hereditary Sensory and Autonomic Neuropathy with Intellectual Disability. Identifiers: Orphanet 320385, MedGen C5190860, MONDO:0014016, OMIM 615031.

Allele frequency attached by ClinVar (database versions not stated): gnomAD 0.00001; ExAC 0.00002; gnomAD exomes 0.00002; TOPMed 0.00002.
gnomAD v4.1: 31 of 1,613,338 alleles (0.0019%); highest among the groups gnomAD compares: African/African-American, 0.0027%; no homozygotes.

Submissions (2):

CeGaT Center for Human Genetics Tuebingen
Classification: Likely benign. Last evaluated: 2024-11-01. Review status: criteria provided, single submitter. Criteria: CeGaT Center For Human Genetics Tuebingen Variant Classification Criteria Version 2. Collection method: clinical testing. Allele origin: germline. Affected: yes. Observed: 1 variant allele.
Comment: TECPR2: BP4, BP7

Labcorp Genetics (formerly Invitae), Labcorp
Classification: Likely benign for Hereditary spastic paraplegia 49. Last evaluated: 2024-05-07. Review status: criteria provided, single submitter. Criteria: Invitae Variant Classification Sherloc (09022015). Collection method: clinical testing. Allele origin: germline.